The following is an entry in ClinVar:

ClinVar aggregate classification (germline): Uncertain significance (1 of 4 stars; one submission).

Conditions:
Nemaline myopathy 2 (NEM2). Also called: Nemaline myopathy 2, autosomal recessive. Identifiers: MedGen C1850569, MONDO:0009725, OMIM 256030.

Submission:

Labcorp Genetics (formerly Invitae), Labcorp
Classification: Uncertain significance for Nemaline myopathy 2. Last evaluated: 2022-07-19. Review status: criteria provided, single submitter. Criteria: Invitae Variant Classification Sherloc (09022015). Collection method: clinical testing. Allele origin: germline.
Comment: In summary, the available evidence is currently insufficient to determine the role of this variant in disease. Therefore, it has been classified as a Variant of Uncertain Significance. Algorithms developed to predict the effect of missense changes on protein structure and function are either unavailable or do not agree on the potential impact of this missense change (SIFT: "Deleterious"; PolyPhen-2: "Not Available"; Align-GVGD: "Class C0"). ClinVar contains an entry for this variant (Variation ID: 952787). This variant has not been reported in the literature in individuals affected with NEB-related conditions. This variant is not present in population databases (gnomAD no frequency). This sequence change replaces alanine, which is neutral and non-polar, with threonine, which is neutral and polar, at codon 6639 of the NEB protein (p.Ala6639Thr).

NM_001164508.2(NEB):c.19915G>A (p.Ala6639Thr)

Gene: NEB (nebulin; minus strand). Cytogenetic location: 2q23.3.
Variant type: single nucleotide variant.
Coding change: c.19915G>A on transcript NM_001164508.2 (MANE Select); coding-DNA position 19915, G replaced by A.
Protein change: p.Ala6639Thr; replaces alanine 6639 with threonine.
Molecular consequence: missense variant.
Genome position (GRCh38, 1-based): chr2:151,551,767, C>T on the plus strand (G>A on the coding strand, the complement: NEB is on the minus strand). VCF-style: chr2-151551767-C-T. GRCh37 (hg19) VCF-style: chr2-152408281-C-T.
Other names: c.19915G>A, p.Ala6639Thr (NM_001164507.2, NM_001271208.2); c.14812G>A, p.Ala4938Thr (NM_004543.5); short protein forms A6639T, A4938T.
Identifiers: ClinVar variation 952787 (VCV000952787.9), dbSNP rs2095356884, ClinGen allele CA348787197.